The following is an entry in ClinVar:

NM_006618.5(KDM5B):c.2098T>G (p.Phe700Val)

Gene: KDM5B (lysine demethylase 5B; minus strand). Cytogenetic location: 1q32.1.
Variant type: single nucleotide variant.
Coding change: c.2098T>G on transcript NM_006618.5 (MANE Select); coding-DNA position 2098, T replaced by G.
Protein change: p.Phe700Val; replaces phenylalanine 700 with valine.
Molecular consequence: missense variant.
Genome position (GRCh38, 1-based): chr1:202,746,242, A>C on the plus strand (T>G on the coding strand, the complement: KDM5B is on the minus strand). VCF-style: chr1-202746242-A-C. GRCh37 (hg19) VCF-style: chr1-202715370-A-C.
Other names: c.2206T>G, p.Phe736Val (NM_001314042.2); c.1963T>G, p.Phe655Val (NM_001347591.2); c.2083T>G, p.Phe695Val (NM_001399817.1); short protein forms F655V, F695V, F700V, F736V.
Identifiers: ClinVar variation 1712901 (VCV001712901.2), dbSNP rs1655553669, ClinGen allele CA344266510.

ClinVar aggregate classification (germline): Uncertain significance (1 of 4 stars; one submission).

Submission:

GeneDx
Classification: Uncertain significance. Last evaluated: 2022-04-27. Review status: criteria provided, single submitter. Criteria: GeneDx Variant Classification Process June 2021. Collection method: clinical testing. Allele origin: germline. Affected: yes.
Comment: Not observed at significant frequency in large population cohorts (gnomAD); In silico analysis supports that this missense variant has a deleterious effect on protein structure/function; Has not been previously published as pathogenic or benign to our knowledge